The following is an entry in ClinVar:

NM_001184880.2(PCDH19):c.1443C>G (p.Asp481Glu)

Gene: PCDH19 (protocadherin 19; minus strand). Cytogenetic location: Xq22.1.
Variant type: single nucleotide variant.
Coding change: c.1443C>G on transcript NM_001184880.2 (MANE Select); coding-DNA position 1443, C replaced by G.
Protein change: p.Asp481Glu; replaces aspartic acid 481 with glutamic acid.
Molecular consequence: missense variant.
Genome position (GRCh38, 1-based): chrX:100,407,155, G>C on the plus strand (C>G on the coding strand, the complement: PCDH19 is on the minus strand). VCF-style: chrX-100407155-G-C. GRCh37 (hg19) VCF-style: chrX-99662153-G-C.
Other names: c.1443C>G, p.Asp481Glu (NM_001105243.2, NM_020766.3); short protein forms D481E.
Identifiers: ClinVar variation 1364705 (VCV001364705.8), dbSNP rs1602636091, ClinGen allele CA414002716.

ClinVar aggregate classification (germline): Uncertain significance (1 of 4 stars; one submission).

Conditions:
Developmental and epileptic encephalopathy, 9 (DEE9). Also called: PCDH19-Related X-Linked Female-Limited Epilepsy with Mental Retardation; EPILEPSY, FEMALE-RESTRICTED, WITH MENTAL RETARDATION; Early infantile epileptic encephalopathy 9; JUBERG-HELLMAN SYNDROME. Identifiers: Orphanet 101039, Orphanet 2076, MedGen C1848137, MONDO:0010246, OMIM 300088. Disease mechanism: loss of function.

Submission:

Labcorp Genetics (formerly Invitae), Labcorp
Classification: Uncertain significance for Developmental and epileptic encephalopathy, 9. Last evaluated: 2021-12-02. Review status: criteria provided, single submitter. Criteria: Invitae Variant Classification Sherloc (09022015). Collection method: clinical testing. Allele origin: germline.
Comment: In summary, the available evidence is currently insufficient to determine the role of this variant in disease. Therefore, it has been classified as a Variant of Uncertain Significance. This variant disrupts the p.Asp481 amino acid residue in PCDH19. Other variant(s) that disrupt this residue have been observed in individuals with PCDH19-related conditions (PMID: 29377098, 32189863), which suggests that this may be a clinically significant amino acid residue. Advanced modeling of protein sequence and biophysical properties (such as structural, functional, and spatial information, amino acid conservation, physicochemical variation, residue mobility, and thermodynamic stability) performed at Invitae indicates that this missense variant is expected to disrupt PCDH19 protein function. This variant has not been reported in the literature in individuals affected with PCDH19-related conditions. This variant is not present in population databases (gnomAD no frequency). This sequence change replaces aspartic acid, which is acidic and polar, with glutamic acid, which is acidic and polar, at codon 481 of the PCDH19 protein (p.Asp481Glu).

Literature cited by the submitters: PubMed 29377098; PubMed 32189863.